The following is an entry in ClinVar:

ClinVar aggregate classification (germline): Uncertain significance (1 of 4 stars; one submission).

gnomAD v4.1: 3 of 1,571,738 alleles (0.00019%); highest among the groups gnomAD compares: African/African-American, 0.0027%; no homozygotes.

Submission:

Women's Health and Genetics/Laboratory Corporation of America, LabCorp
Classification: Uncertain significance. Last evaluated: 2025-06-06. Review status: criteria provided, single submitter. Criteria: LabCorp Variant Classification Summary - May 2015. Collection method: clinical testing. Allele origin: germline.
Comment: Variant summary: KIF26A c.4000G>A (p.Gly1334Arg) results in a non-conservative amino acid change in the encoded protein sequence. Algorithms developed to predict the effect of missense changes on protein structure and function are either unavailable or do not agree on the potential impact of this missense change. The variant was absent in 170934 control chromosomes. The available data on variant occurrences in the general population are insufficient to allow any conclusion about variant significance. To our knowledge, no occurrence of c.4000G>A in individuals affected with Cortical Dysplasia, Complex, With Other Brain Malformations 11 and no experimental evidence demonstrating its impact on protein function have been reported. No submitters have cited clinical-significance assessments for this variant to ClinVar. Based on the evidence outlined above, the variant was classified as uncertain significance.

NM_015656.2(KIF26A):c.4000G>A (p.Gly1334Arg)

Gene: KIF26A (kinesin family member 26A; plus strand). Cytogenetic location: 14q32.33.
Variant type: single nucleotide variant.
Coding change: c.4000G>A on transcript NM_015656.2 (MANE Select); coding-DNA position 4000, G replaced by A.
Protein change: p.Gly1334Arg; replaces glycine 1334 with arginine.
Molecular consequence: missense variant.
Genome position (GRCh38, 1-based): chr14:104,176,788, G>A. VCF-style: chr14-104176788-G-A. GRCh37 (hg19) VCF-style: chr14-104643125-G-A.
Other names: short protein forms G1334R.
Identifiers: ClinVar variation 3907319 (VCV003907319.1).